The following is an entry in ClinVar:

NM_007347.5(AP4E1):c.415G>A (p.Val139Ile)

Gene: AP4E1 (adaptor related protein complex 4 subunit epsilon 1; plus strand). Cytogenetic location: 15q21.2.
Variant type: single nucleotide variant.
Coding change: c.415G>A on transcript NM_007347.5 (MANE Select); coding-DNA position 415, G replaced by A.
Protein change: p.Val139Ile; replaces valine 139 with isoleucine.
Molecular consequence: missense variant.
Genome position (GRCh38, 1-based): chr15:50,923,999, G>A. VCF-style: chr15-50923999-G-A. GRCh37 (hg19) VCF-style: chr15-51216196-G-A.
Other names: c.190G>A, p.Val64Ile (NM_001252127.2); short protein forms V64I, V139I.
Identifiers: ClinVar variation 2410671 (VCV002410671.5), dbSNP rs769741197, ClinGen allele CA7558751.

ClinVar aggregate classification (germline): Uncertain significance. Review status: criteria provided, multiple submitters, no conflicts (2 of 4 stars). 2 submissions from 2 submitters: Uncertain significance (2). Last evaluated 2023-08-10.

Conditions:
Spastic paraplegia. Identifiers: MedGen C0037772, HP:0001258.
Inborn genetic diseases. Identifiers: MedGen C0950123, MeSH D030342.

Allele frequency attached by ClinVar (database versions not stated): gnomAD exomes below 0.00001; ExAC 0.00001; gnomAD 0.00001; TOPMed 0.00001.
gnomAD v4.1: 4 of 1,604,612 alleles (0.00025%); highest among the groups gnomAD compares: Non-Finnish European, 0.00034%; no homozygotes.

Submissions (2):

Labcorp Genetics (formerly Invitae), Labcorp
Classification: Uncertain significance for Spastic paraplegia. Last evaluated: 2023-08-10. Review status: criteria provided, single submitter. Criteria: Invitae Variant Classification Sherloc (09022015). Collection method: clinical testing. Allele origin: germline.
Comment: ClinVar contains an entry for this variant (Variation ID: 2410671). This variant has not been reported in the literature in individuals affected with AP4E1-related conditions. This variant is present in population databases (rs769741197, gnomAD 0.002%). This sequence change replaces valine, which is neutral and non-polar, with isoleucine, which is neutral and non-polar, at codon 139 of the AP4E1 protein (p.Val139Ile). An algorithm developed to predict the effect of missense changes on protein structure and function (PolyPhen-2) suggests that this variant is likely to be tolerated. In summary, the available evidence is currently insufficient to determine the role of this variant in disease. Therefore, it has been classified as a Variant of Uncertain Significance.

Ambry Genetics
Classification: Uncertain significance for Inborn genetic diseases. Last evaluated: 2022-11-09. Review status: criteria provided, single submitter. Criteria: Ambry Variant Classification Scheme 2023. Collection method: clinical testing. Allele origin: germline.